The following is an entry in ClinVar:

NM_000059.4(BRCA2):c.7718T>G (p.Leu2573Ter)

Gene: BRCA2 (BRCA2 DNA repair associated; plus strand). Cytogenetic location: 13q13.1.
Variant type: single nucleotide variant.
Coding change: c.7718T>G on transcript NM_000059.4 (MANE Select); coding-DNA position 7718, T replaced by G.
Protein change: p.Leu2573Ter; replaces leucine 2573 with a stop codon.
Molecular consequence: nonsense.
Genome position (GRCh38, 1-based): chr13:32,357,842, T>G. VCF-style: chr13-32357842-T-G. GRCh37 (hg19) VCF-style: chr13-32931979-T-G.
Other names: short protein forms L2573*.
Identifiers: ClinVar variation 187368 (VCV000187368.9), dbSNP rs786203680, ClinGen allele CA025244.

ClinVar aggregate classification (germline): Pathogenic. Review status: reviewed by expert panel (3 of 4 stars). 3 submissions from 3 submitters: Pathogenic (1). 2 of the submissions do not count toward it. Last evaluated 2016-09-08.

Conditions:
Hereditary breast ovarian cancer syndrome. Also called: Hereditary breast and ovarian cancer; Hereditary breast and ovarian cancer syndrome; Breast and ovarian cancer; Hereditary breast and ovarian cancer syndrome (HBOC); Hereditary breast and/or ovarian cancer syndrome; BRCA1- and BRCA2-Associated Hereditary Breast and Ovarian Cancer. Identifiers: Orphanet 145, MedGen C0677776, MeSH D061325, MONDO:0003582. Disease mechanism: loss of function.
Hereditary cancer-predisposing syndrome. Also called: Hereditary Cancer Syndrome; Neoplastic Syndromes, Hereditary; Tumor predisposition; Hereditary neoplastic syndrome. Identifiers: Orphanet 140162, MedGen C0027672, MeSH D009386, MONDO:0015356.
Breast-ovarian cancer, familial, susceptibility to, 2 (BROVCA2). Also called: BRCA2 Hereditary Breast and Ovarian Cancer. Identifiers: Orphanet 145, MedGen C2675520, MONDO:0012933, OMIM 612555. Disease mechanism: loss of function.

Submissions (3):

Evidence-based Network for the Interpretation of Germline Mutant Alleles (ENIGMA)
Classification: Pathogenic for Breast-ovarian cancer, familial, susceptibility to, 2. Last evaluated: 2016-09-08. Review status: reviewed by expert panel. Criteria: ENIGMA BRCA1/2 Classification Criteria (2015). Collection method: curation. Allele origin: germline.
Comment: Variant allele predicted to encode a truncated non-functional protein.

Labcorp Genetics (formerly Invitae), Labcorp
Classification: Pathogenic for Hereditary breast ovarian cancer syndrome. Last evaluated: 2026-01-19. Review status: criteria provided, single submitter. Criteria: Invitae Variant Classification Sherloc (09022015). Collection method: clinical testing. Allele origin: germline. Not counted in ClinVar's aggregate classification.
Comment: This sequence change creates a premature translational stop signal (p.Leu2573*) in the BRCA2 gene. It is expected to result in an absent or disrupted protein product. Loss-of-function variants in BRCA2 are known to be pathogenic (PMID: 20104584). This variant is not present in population databases (gnomAD no frequency). This premature translational stop signal has been observed in individual(s) with breast cancer (PMID: 31173646). ClinVar contains an entry for this variant (Variation ID: 187368). For these reasons, this variant has been classified as Pathogenic.

Ambry Genetics
Classification: Pathogenic for Hereditary cancer-predisposing syndrome. Last evaluated: 2023-09-11. Review status: criteria provided, single submitter. Criteria: Ambry Variant Classification Scheme 2023. Collection method: clinical testing. Allele origin: germline. Not counted in ClinVar's aggregate classification.
Comment: The p.L2573* pathogenic mutation (also known as c.7718T>G), located in coding exon 15 of the BRCA2 gene, results from a T to G substitution at nucleotide position 7718. This changes the amino acid from a leucine to a stop codon within coding exon 15. This variant is considered to be rare based on population cohorts in the Genome Aggregation Database (gnomAD). This alteration is expected to result in loss of function by premature protein truncation or nonsense-mediated mRNA decay. As such, this alteration is interpreted as a disease-causing mutation.

Literature cited by the submitters: PubMed 20104584 (cited by Labcorp Genetics (formerly Invitae), Labcorp); PubMed 31173646 (cited by Labcorp Genetics (formerly Invitae), Labcorp).